The following is an entry in ClinVar:

NM_000321.3(RB1):c.1207T>C (p.Tyr403His)

Gene: RB1 (RB transcriptional corepressor 1; plus strand). Cytogenetic location: 13q14.2.
Variant type: single nucleotide variant.
Coding change: c.1207T>C on transcript NM_000321.3 (MANE Select); coding-DNA position 1207, T replaced by C.
Protein change: p.Tyr403His; replaces tyrosine 403 with histidine.
Molecular consequence: missense variant.
Genome position (GRCh38, 1-based): chr13:48,373,484, T>C. VCF-style: chr13-48373484-T-C. GRCh37 (hg19) VCF-style: chr13-48947620-T-C.
Other names: c.1207T>C, p.Tyr403His (NM_001407165.1, NM_001407166.1); short protein forms Y403H.
Identifiers: ClinVar variation 2565233 (VCV002565233.2), dbSNP rs2138131325, ClinGen allele CA388161676.

ClinVar aggregate classification (germline): Uncertain significance (1 of 4 stars; one submission).

Conditions:
Hereditary cancer-predisposing syndrome. Also called: Neoplastic Syndromes, Hereditary; Hereditary Cancer Syndrome; Hereditary neoplastic syndrome; Tumor predisposition. Identifiers: Orphanet 140162, MedGen C0027672, MeSH D009386, MONDO:0015356.

Submission:

Ambry Genetics
Classification: Uncertain significance for Hereditary cancer-predisposing syndrome. Last evaluated: 2023-05-21. Review status: criteria provided, single submitter. Criteria: Ambry Variant Classification Scheme 2023. Collection method: clinical testing. Allele origin: germline.
Comment: The p.Y403H variant (also known as c.1207T>C), located in coding exon 12 of the RB1 gene, results from a T to C substitution at nucleotide position 1207. The tyrosine at codon 403 is replaced by histidine, an amino acid with similar properties. This amino acid position is conserved. In addition, this alteration is predicted to be deleterious by in silico analysis. Since supporting evidence is limited at this time, the clinical significance of this alteration remains unclear.